The following is an entry in ClinVar:

ClinVar aggregate classification (germline): Conflicting classifications of pathogenicity. Review status: criteria provided, conflicting classifications (1 of 4 stars). 5 submissions from 5 submitters: Uncertain significance (4); Benign (1). Last evaluated 2025-05-08.

Conditions:
Thyrotoxic periodic paralysis, susceptibility to, 1 (TTPP1). Identifiers: Orphanet 79102, MedGen C2749982, MONDO:0008570, OMIM 188580.
Hypokalemic periodic paralysis, type 1. Also called: HypoPP; Hypokalemic Periodic Paralysis Type 1 (AD). Identifiers: Orphanet 681, MedGen C3714580, MONDO:0042979, OMIM 170400.
Malignant hyperthermia, susceptibility to, 5 (MHS5). Also called: CACNA1S-Related Malignant Hyperthermia Susceptibility. Identifiers: Orphanet 423, MedGen C1866077, MONDO:0011163, OMIM 601887.

Allele frequency attached by ClinVar (database versions not stated): gnomAD exomes 0.00001 and 0.00002; ExAC 0.00002; gnomAD 0.00004; TOPMed 0.00005; ESP Exome Variant Server 0.00008; 1000 Genomes Project 0.00020; 1000 Genomes Project 30x 0.00031.
gnomAD v4.1: 27 of 1,613,508 alleles (0.0017%); highest among the groups gnomAD compares: African/African-American, 0.02%; no homozygotes.

Submissions (5):

GeneDx
Classification: Uncertain significance. Last evaluated: 2025-05-08. Review status: criteria provided, single submitter. Criteria: GeneDx Variant Classification Process June 2021. Collection method: clinical testing. Allele origin: germline. Affected: yes.
Comment: In silico analysis supports that this missense variant has a deleterious effect on protein structure/function; Has not been previously published as pathogenic or benign to our knowledge

Labcorp Genetics (formerly Invitae), Labcorp
Classification: Benign for Hypokalemic periodic paralysis, type 1; Malignant hyperthermia, susceptibility to, 5. Last evaluated: 2025-05-05. Review status: criteria provided, single submitter. Criteria: Invitae Variant Classification Sherloc (09022015). Collection method: clinical testing. Allele origin: germline.

All of Us Research Program, National Institutes of Health
Classification: Uncertain significance for Malignant hyperthermia, susceptibility to, 5. Last evaluated: 2023-12-18. Review status: criteria provided, single submitter. Criteria: ACMG Guidelines, 2015. Collection method: clinical testing. Allele origin: germline. Inheritance: Autosomal dominant inheritance. Observed: 5 variant alleles, 5 heterozygotes.
Comment: This missense variant replaces glutamic acid with lysine at codon 1569 of the CACNA1S protein. Computational prediction suggests that this variant may have deleterious impact on protein structure and function (internally defined REVEL score threshold >= 0.7, PMID: 27666373). To our knowledge, functional studies have not been reported for this variant. This variant has not been reported in individuals affected with CACNA1S-related disorders in the literature. This variant has been identified in 7/282198 chromosomes in the general population by the Genome Aggregation Database (gnomAD). The available evidence is insufficient to determine the role of this variant in disease conclusively. Therefore, this variant is classified as a Variant of Uncertain Significance.

This study involves interpretation of variants in research participants for the purpose of population health screening. Participant phenotype was not available at the time of variant classification. Additional details can be found in publication PMID: 35346344, PMCID: PMC8962531

Color Diagnostics, LLC DBA Color Health
Classification: Uncertain significance for Malignant hyperthermia, susceptibility to, 5. Last evaluated: 2023-11-30. Review status: criteria provided, single submitter. Criteria: ACMG Guidelines, 2015. Collection method: clinical testing. Allele origin: germline.
Comment: This missense variant replaces glutamic acid with lysine at codon 1569 of the CACNA1S protein. Computational prediction suggests that this variant may have deleterious impact on protein structure and function. To our knowledge, functional studies have not been reported for this variant. This variant has not been reported in individuals affected with CACNA1S-related disorders in the literature. This variant has been identified in 7/282198 chromosomes in the general population by the Genome Aggregation Database (gnomAD). The available evidence is insufficient to determine the role of this variant in disease conclusively. Therefore, this variant is classified as a Variant of Uncertain Significance.

Fulgent Genetics
Classification: Uncertain significance for Hypokalemic periodic paralysis, type 1; Thyrotoxic periodic paralysis, susceptibility to, 1; Malignant hyperthermia, susceptibility to, 5. Last evaluated: 2021-10-22. Review status: criteria provided, single submitter. Criteria: ACMG Guidelines, 2015. Collection method: clinical testing. Allele origin: unknown.

NM_000069.3(CACNA1S):c.4705G>A (p.Glu1569Lys)

Gene: CACNA1S (calcium voltage-gated channel subunit alpha1 S; minus strand). Cytogenetic location: 1q32.1.
Variant type: single nucleotide variant.
Coding change: c.4705G>A on transcript NM_000069.3 (MANE Select); coding-DNA position 4705, G replaced by A.
Protein change: p.Glu1569Lys; replaces glutamic acid 1569 with lysine.
Molecular consequence: missense variant.
Genome position (GRCh38, 1-based): chr1:201,044,420, C>T on the plus strand (G>A on the coding strand, the complement: CACNA1S is on the minus strand). VCF-style: chr1-201044420-C-T. GRCh37 (hg19) VCF-style: chr1-201013548-C-T.
Other names: short protein forms E1569K.
Identifiers: ClinVar variation 937788 (VCV000937788.14), dbSNP rs138768414, ClinGen allele CA083543.